The following is an entry in ClinVar:

NM_000051.4(ATM):c.8690G>C (p.Gly2897Ala)

Genes: ATM (ATM serine/threonine kinase; plus strand), C11orf65 (chromosome 11 open reading frame 65; minus strand). Cytogenetic location: 11q22.3.
Variant type: single nucleotide variant.
Coding change: c.8690G>C on transcript NM_000051.4 (MANE Select); coding-DNA position 8690, G replaced by C.
Protein change: p.Gly2897Ala; replaces glycine 2897 with alanine.
Molecular consequence: missense variant. On other transcripts: intron variant (2).
Genome position (GRCh38, 1-based): chr11:108,353,784, G>C. VCF-style: chr11-108353784-G-C. GRCh37 (hg19) VCF-style: chr11-108224511-G-C.
Other names: c.8690G>C, p.Gly2897Ala (NM_001351834.2); c.640+32136C>G (NM_001330368.2); c.695-18492C>G (NM_001351110.2); short protein forms G2897A.
Identifiers: ClinVar variation 4169045 (VCV004169045.1).

ClinVar aggregate classification (germline): Uncertain significance (1 of 4 stars; one submission).

Conditions:
Hereditary cancer-predisposing syndrome. Also called: Neoplastic Syndromes, Hereditary; Tumor predisposition; Hereditary neoplastic syndrome; Hereditary Cancer Syndrome. Identifiers: Orphanet 140162, MedGen C0027672, MeSH D009386, MONDO:0015356.

Submission:

Ambry Genetics
Classification: Uncertain significance for Hereditary cancer-predisposing syndrome. Last evaluated: 2025-07-02. Review status: criteria provided, single submitter. Criteria: Ambry Variant Classification Scheme 2023. Collection method: clinical testing. Allele origin: germline.
Comment: The p.G2897A variant (also known as c.8690G>C), located in coding exon 59 of the ATM gene, results from a G to C substitution at nucleotide position 8690. The glycine at codon 2897 is replaced by alanine, an amino acid with similar properties. This amino acid position is conserved. In addition, this alteration is predicted to be deleterious by in silico analysis. Based on the available evidence, the clinical significance of this variant remains unclear.